The following is an entry in ClinVar:

ClinVar aggregate classification (germline): Uncertain significance (1 of 4 stars; one submission).

Conditions:
Cardiovascular phenotype. Identifiers: MedGen CN230736.

Submission:

Ambry Genetics
Classification: Uncertain significance for Cardiovascular phenotype. Last evaluated: 2025-12-11. Review status: criteria provided, single submitter. Criteria: Ambry Variant Classification Scheme 2023. Collection method: clinical testing. Allele origin: germline.
Comment: The p.K506T variant (also known as c.1517A>C), located in coding exon 26 of the COL1A2 gene, results from an A to C substitution at nucleotide position 1517. The lysine at codon 506 is replaced by threonine, an amino acid with similar properties. This amino acid position is conserved. In addition, this alteration is predicted to be deleterious by in silico analysis. Based on the available evidence, the clinical significance of this variant remains unclear.

NM_000089.4(COL1A2):c.1517A>C (p.Lys506Thr)

Gene: COL1A2 (collagen type I alpha 2 chain; plus strand). Cytogenetic location: 7q21.3.
Variant type: single nucleotide variant.
Coding change: c.1517A>C on transcript NM_000089.4 (MANE Select); coding-DNA position 1517, A replaced by C.
Protein change: p.Lys506Thr; replaces lysine 506 with threonine.
Molecular consequence: missense variant.
Genome position (GRCh38, 1-based): chr7:94,413,096, A>C. VCF-style: chr7-94413096-A-C. GRCh37 (hg19) VCF-style: chr7-94042408-A-C.
Other names: short protein forms K506T.
Identifiers: ClinVar variation 4613938 (VCV004613938.1).